The following is an entry in ClinVar:

NM_000702.4(ATP1A2):c.382C>T (p.Leu128=)

Gene: ATP1A2 (ATPase Na+/K+ transporting subunit alpha 2; plus strand). Cytogenetic location: 1q23.2.
Variant type: single nucleotide variant.
Coding change: c.382C>T on transcript NM_000702.4 (MANE Select); coding-DNA position 382, C replaced by T.
Protein change: p.Leu128=; no amino-acid change (leucine 128 retained).
Molecular consequence: synonymous variant.
Genome position (GRCh38, 1-based): chr1:160,123,943, C>T. VCF-style: chr1-160123943-C-T. GRCh37 (hg19) VCF-style: chr1-160093733-C-T.
Identifiers: ClinVar variation 3658941 (VCV003658941.3).

ClinVar aggregate classification (germline): Conflicting classifications of pathogenicity. Review status: criteria provided, conflicting classifications (1 of 4 stars). 2 submissions from 2 submitters: Uncertain significance (1); Likely benign (1). Last evaluated 2026-04-14.

Conditions:
Inborn genetic diseases. Identifiers: MedGen C0950123, MeSH D030342.
Familial hemiplegic migraine. Identifiers: MedGen C0338484, MONDO:0000700.

gnomAD v4.1: 4 of 1,613,952 alleles (0.00025%); highest among the groups gnomAD compares: Non-Finnish European, 0.00034%; no homozygotes.

Submissions (2):

Ambry Genetics
Classification: Likely benign for Inborn genetic diseases. Last evaluated: 2026-04-14. Review status: criteria provided, single submitter. Criteria: Ambry Variant Classification Scheme 2023. Collection method: clinical testing. Allele origin: germline.

Labcorp Genetics (formerly Invitae), Labcorp
Classification: Uncertain significance for Familial hemiplegic migraine. Last evaluated: 2025-01-14. Review status: criteria provided, single submitter. Criteria: Invitae Variant Classification Sherloc (09022015). Collection method: clinical testing. Allele origin: germline.
Comment: This sequence change affects codon 128 of the ATP1A2 mRNA. It is a 'silent' change, meaning that it does not change the encoded amino acid sequence of the ATP1A2 protein. It affects a nucleotide within the consensus splice site. This variant is not present in population databases (gnomAD no frequency). This variant has not been reported in the literature in individuals affected with ATP1A2-related conditions. Algorithms developed to predict the effect of sequence changes on RNA splicing suggest that this variant is not likely to affect RNA splicing. In summary, the available evidence is currently insufficient to determine the role of this variant in disease. Therefore, it has been classified as a Variant of Uncertain Significance.